The following is an entry in ClinVar:

ClinVar aggregate classification (germline): Uncertain significance (1 of 4 stars; one submission).

Conditions:
Vici syndrome (VICIS). Identifiers: Orphanet 1493, MedGen C1855772, MONDO:0009452, OMIM 242840.

Submission:

Labcorp Genetics (formerly Invitae), Labcorp
Classification: Uncertain significance for Vici syndrome. Last evaluated: 2024-11-09. Review status: criteria provided, single submitter. Criteria: Invitae Variant Classification Sherloc (09022015). Collection method: clinical testing. Allele origin: germline.
Comment: This sequence change replaces proline, which is neutral and non-polar, with serine, which is neutral and polar, at codon 124 of the EPG5 protein (p.Pro124Ser). This variant is not present in population databases (gnomAD no frequency). This variant has not been reported in the literature in individuals affected with EPG5-related conditions. Invitae Evidence Modeling of protein sequence and biophysical properties (such as structural, functional, and spatial information, amino acid conservation, physicochemical variation, residue mobility, and thermodynamic stability) indicates that this missense variant is not expected to disrupt EPG5 protein function with a negative predictive value of 80%. In summary, the available evidence is currently insufficient to determine the role of this variant in disease. Therefore, it has been classified as a Variant of Uncertain Significance.

NM_020964.3(EPG5):c.370C>T (p.Pro124Ser)

Gene: EPG5 (ectopic P-granules 5 autophagy tethering factor; minus strand). Cytogenetic location: 18q21.1.
Variant type: single nucleotide variant.
Coding change: c.370C>T on transcript NM_020964.3 (MANE Select); coding-DNA position 370, C replaced by T.
Protein change: p.Pro124Ser; replaces proline 124 with serine.
Molecular consequence: missense variant.
Genome position (GRCh38, 1-based): chr18:45,955,032, G>A on the plus strand (C>T on the coding strand, the complement: EPG5 is on the minus strand). VCF-style: chr18-45955032-G-A. GRCh37 (hg19) VCF-style: chr18-43534998-G-A.
Other names: c.370C>T, p.Pro124Ser (NM_001410858.1, NM_001410859.1); short protein forms P124S.
Identifiers: ClinVar variation 3626539 (VCV003626539.2).